The following is an entry in ClinVar:

NM_000372.5(TYR):c.1109T>A (p.Met370Lys)

Gene: TYR (tyrosinase; plus strand). Cytogenetic location: 11q14.3.
Variant type: single nucleotide variant.
Coding change: c.1109T>A on transcript NM_000372.5 (MANE Select); coding-DNA position 1109, T replaced by A.
Protein change: p.Met370Lys; replaces methionine 370 with lysine.
Molecular consequence: missense variant.
Genome position (GRCh38, 1-based): chr11:89,227,895, T>A. VCF-style: chr11-89227895-T-A. GRCh37 (hg19) VCF-style: chr11-88961063-T-A.
Other names: short protein forms M370K.
Identifiers: ClinVar variation 2580971 (VCV002580971.1), dbSNP rs61754385, ClinGen allele CA382028591.

ClinVar aggregate classification (germline): Likely pathogenic (1 of 4 stars; one submission).

Conditions:
Oculocutaneous albinism type 1A (OCA1A). Also called: Albinism, oculocutaneous, type IA. Identifiers: Orphanet 352731, Orphanet 79431, MedGen C4551504, MONDO:0008745, OMIM 203100. Disease mechanism: loss of function.
Oculocutaneous albinism type 1B (OCA1B). Also called: ALBINISM, YELLOW MUTANT TYPE; ALBINISM, OCULOCUTANEOUS, TYPE IB; YELLOW ALBINISM. Identifiers: Orphanet 352731, Orphanet 352737, Orphanet 79434, MedGen C1847024, MONDO:0011749, OMIM 606952.

Submission:

Dr. med. U. Finckh, Human Genetics, Eurofins MVZ
Classification: Likely pathogenic for Oculocutaneous albinism type 1A; Oculocutaneous albinism type 1B. Last evaluated: 2020-06-08. Review status: criteria provided, single submitter. Criteria: ACMG Guidelines, 2015. Collection method: clinical testing. Allele origin: paternal. Affected: yes.
Comment: The variant is not present in >125.000 individuals of the general population (gnomAD v2). Another variant of this codon has been classified as pathogenic (ClinVar ID: 625851) and computional evidence supports a damaging effect.